The following is an entry in ClinVar:

ClinVar aggregate classification (germline): Uncertain significance (1 of 4 stars; one submission).

Conditions:
DICER1-related tumor predisposition. Also called: DICER1 syndrome; DICER1-related pleuropulmonary blastoma cancer predisposition syndrome. Identifiers: Orphanet 284343, MedGen C3839822, MONDO:0100216.

Submission:

Labcorp Genetics (formerly Invitae), Labcorp
Classification: Uncertain significance for DICER1-related tumor predisposition. Last evaluated: 2022-11-01. Review status: criteria provided, single submitter. Criteria: Invitae Variant Classification Sherloc (09022015). Collection method: clinical testing. Allele origin: germline.
Comment: In summary, the available evidence is currently insufficient to determine the role of this variant in disease. Therefore, it has been classified as a Variant of Uncertain Significance. Variants that disrupt the consensus splice site are a relatively common cause of aberrant splicing (PMID: 17576681, 9536098). Algorithms developed to predict the effect of sequence changes on RNA splicing suggest that this variant may disrupt the consensus splice site. This variant has not been reported in the literature in individuals affected with DICER1-related conditions. This variant is not present in population databases (gnomAD no frequency). This sequence change falls in intron 21 of the DICER1 gene. It does not directly change the encoded amino acid sequence of the DICER1 protein. It affects a nucleotide within the consensus splice site.

Literature cited by the submitters: PubMed 17576681; PubMed 9536098.

NM_177438.3(DICER1):c.4050+2dup

Gene: DICER1 (dicer 1, ribonuclease III; minus strand). Cytogenetic location: 14q32.13.
Variant type: Duplication.
Coding change: c.4050+2dup on transcript NM_177438.3 (MANE Select); the canonical splice donor site of the intron after coding-DNA position 4050, one base duplicated (T; older notation c.4050+2dupT).
Molecular consequence: splice donor variant.
Genome position (GRCh38, 1-based): chr14:95,103,344, A duplicated on the plus strand (T on the coding strand, the reverse complement: DICER1 is on the minus strand). VCF-style (leftmost placement, unchanged base first): chr14-95103343-T-TA. GRCh37 (hg19) VCF-style: chr14-95569680-T-TA.
Other names: c.4050+2dup (NM_001291628.2, NM_030621.4, NM_001395677.1 and 12 more transcripts); c.3645+2dup (NM_001395690.1, NM_001395687.1, NM_001395689.1 and 2 more transcripts); c.3768+2dup (NM_001395686.1); c.3483+2dup (NM_001395691.1); c.2367+2dup (NM_001395697.1).
Identifiers: ClinVar variation 2811306 (VCV002811306.3), dbSNP rs2542682954, ClinGen allele CA2739277858.
Genomic context (GRCh38, chr14:95,103,343, plus strand): 5'-CTGCAAACCACTTTCAGGCACACTGAATAATTAACTGCTCAAAATAAAAAAATCATCTCT[T>TA]ACCTTTTTGCTTCTCATATATGAAAGGCGGCCCTCATGCGCATCAGGGTAAGTGCAAAAT-3'